The following is an entry in ClinVar:

NM_001276270.2(MBD4):c.890G>T (p.Gly297Val)

Gene: MBD4 (methyl-CpG binding domain 4, DNA glycosylase; minus strand). Cytogenetic location: 3q21.3.
Variant type: single nucleotide variant.
Coding change: c.890G>T on transcript NM_001276270.2 (MANE Select); coding-DNA position 890, G replaced by T.
Protein change: p.Gly297Val; replaces glycine 297 with valine.
Molecular consequence: missense variant. On other transcripts: intron variant (1).
Genome position (GRCh38, 1-based): chr3:129,436,754, C>A on the plus strand (G>T on the coding strand, the complement: MBD4 is on the minus strand). VCF-style: chr3-129436754-C-A. GRCh37 (hg19) VCF-style: chr3-129155597-C-A.
Other names: c.890G>T, p.Gly297Val (NM_001276271.2, NM_001276272.2, NM_003925.3); c.247+1054G>T (NM_001276273.2); short protein forms G297V.
Identifiers: ClinVar variation 4104630 (VCV004104630.1).

ClinVar aggregate classification (germline): Uncertain significance (1 of 4 stars; one submission).

Conditions:
Inborn genetic diseases. Identifiers: MedGen C0950123, MeSH D030342.

Submission:

Ambry Genetics
Classification: Uncertain significance for Inborn genetic diseases. Last evaluated: 2025-07-28. Review status: criteria provided, single submitter. Criteria: Ambry Variant Classification Scheme 2023. Collection method: clinical testing. Allele origin: germline.
Comment: The p.G297V variant (also known as c.890G>T), located in coding exon 3 of the MBD4 gene, results from a G to T substitution at nucleotide position 890. The glycine at codon 297 is replaced by valine, an amino acid with dissimilar properties. This amino acid position is conserved. In addition, this alteration is predicted to be tolerated by in silico analysis. Based on the available evidence, the clinical significance of this variant remains unclear.